The following is an entry in ClinVar:

NM_014000.3(VCL):c.268del (p.Gln90fs)

Gene: VCL (vinculin; plus strand). Cytogenetic location: 10q22.2.
Variant type: Deletion.
Coding change: c.268del on transcript NM_014000.3 (MANE Select); coding-DNA position 268, one base deleted (C; older notation c.268delC).
Protein change: p.Gln90fs; shifts the reading frame from glutamine 90.
Molecular consequence: frameshift variant.
Genome position (GRCh38, 1-based): chr10:74,070,698, C deleted; the last of 2 consecutive C bases (chr10:74,070,697-74,070,698); deleting either gives the same sequence. VCF-style (leftmost placement, unchanged base first): chr10-74070696-TC-T. GRCh37 (hg19) VCF-style: chr10-75830454-TC-T.
Other names: c.268del, p.Gln90fs (NM_003373.4); short protein forms Q90fs.
Identifiers: ClinVar variation 3651640 (VCV003651640.2).

ClinVar aggregate classification (germline): Uncertain significance (1 of 4 stars; one submission).

Conditions:
Dilated cardiomyopathy 1W (CMD1W). Identifiers: Orphanet 154, MedGen C1969639, MONDO:0012667, OMIM 611407.

Submission:

Labcorp Genetics (formerly Invitae), Labcorp
Classification: Uncertain significance for Dilated cardiomyopathy 1W. Last evaluated: 2024-04-30. Review status: criteria provided, single submitter. Criteria: Invitae Variant Classification Sherloc (09022015). Collection method: clinical testing. Allele origin: germline.
Comment: This sequence change creates a premature translational stop signal (p.Gln90Argfs*19) in the VCL gene. It is expected to result in an absent or disrupted protein product. However, the current clinical and genetic evidence is not sufficient to establish whether loss-of-function variants in VCL cause disease. This variant is not present in population databases (gnomAD no frequency). This variant has not been reported in the literature in individuals affected with VCL-related conditions. In summary, the available evidence is currently insufficient to determine the role of this variant in disease. Therefore, it has been classified as a Variant of Uncertain Significance.